The following is an entry in ClinVar:

NM_024592.5(SRD5A3):c.100C>G (p.Leu34Val)

Gene: SRD5A3 (steroid 5 alpha-reductase 3; plus strand). Cytogenetic location: 4q12.
Variant type: single nucleotide variant.
Coding change: c.100C>G on transcript NM_024592.5 (MANE Select); coding-DNA position 100, C replaced by G.
Protein change: p.Leu34Val; replaces leucine 34 with valine.
Molecular consequence: missense variant.
Genome position (GRCh38, 1-based): chr4:55,346,436, C>G. VCF-style: chr4-55346436-C-G. GRCh37 (hg19) VCF-style: chr4-56212603-C-G.
Other names: short protein forms L34V.
Identifiers: ClinVar variation 1395294 (VCV001395294.4), dbSNP rs769919131, ClinGen allele CA2925205.

ClinVar aggregate classification (germline): Uncertain significance (1 of 4 stars; one submission).

Conditions:
SRD5A3-congenital disorder of glycosylation. Also called: Congenital disorder of glycosylation type 1Q; SRD5A3-CDG; COLOBOMA, OCULAR, WITH ICHTHYOSIS, BRAIN MALFORMATIONS, AND ENDOCRINE ABNORMALITIES; CDG Iq; Ocular colobomas, ichthyosis, brain malformations and endocrine abnormalities. Identifiers: Orphanet 324737, MedGen C4317224, MONDO:0012885, OMIM 612379.

Allele frequency attached by ClinVar (database versions not stated): ExAC 0.00001.
gnomAD v4.1: 5 of 1,605,370 alleles (0.00031%); highest among the groups gnomAD compares: South Asian, 0.0044%; no homozygotes.

Submission:

Labcorp Genetics (formerly Invitae), Labcorp
Classification: Uncertain significance for SRD5A3-congenital disorder of glycosylation. Last evaluated: 2023-08-17. Review status: criteria provided, single submitter. Criteria: Invitae Variant Classification Sherloc (09022015). Collection method: clinical testing. Allele origin: germline.
Comment: ClinVar contains an entry for this variant (Variation ID: 1395294). This variant has not been reported in the literature in individuals affected with SRD5A3-related conditions. This variant is present in population databases (rs769919131, gnomAD 0.003%). This sequence change replaces leucine, which is neutral and non-polar, with valine, which is neutral and non-polar, at codon 34 of the SRD5A3 protein (p.Leu34Val). In summary, the available evidence is currently insufficient to determine the role of this variant in disease. Therefore, it has been classified as a Variant of Uncertain Significance. An algorithm developed to predict the effect of missense changes on protein structure and function (PolyPhen-2) suggests that this variant¬†is likely to be tolerated.